The following is an entry in ClinVar:

NM_012470.4(TNPO3):c.783dup (p.Asn262Ter)

Gene: TNPO3 (transportin 3; minus strand). Cytogenetic location: 7q32.1.
Variant type: Duplication.
Coding change: c.783dup on transcript NM_012470.4 (MANE Select); coding-DNA position 783, one base duplicated (T; older notation c.783dupT).
Protein change: p.Asn262Ter; replaces asparagine 262 with a stop codon.
Molecular consequence: nonsense. On other transcripts: non-coding transcript variant (18).
Genome position (GRCh38, 1-based): chr7:129,001,148, A duplicated on the plus strand (T on the coding strand, the reverse complement: TNPO3 is on the minus strand). VCF-style (leftmost placement, unchanged base first): chr7-129001147-T-TA. GRCh37 (hg19) VCF-style: chr7-128641201-T-TA.
Other names: c.783dup, p.Asn262Ter (NM_001191028.3, NM_001382216.1, NM_001382218.1 and 4 more transcripts); c.864dup, p.Asn289Ter (NM_001382217.1); c.639dup, p.Asn214Ter (NM_001382221.1); short protein forms N214*, N262*, N289*.
Identifiers: ClinVar variation 1803348 (VCV001803348.1), dbSNP rs2536255681, ClinGen allele CA2580076582.

ClinVar aggregate classification (germline): Uncertain significance (1 of 4 stars; one submission).

Submission:

GeneDx
Classification: Uncertain significance. Last evaluated: 2022-06-08. Review status: criteria provided, single submitter. Criteria: GeneDx Variant Classification Process June 2021. Collection method: clinical testing. Allele origin: germline. Affected: yes.
Comment: Not observed at significant frequency in large population cohorts (gnomAD); Nonsense variant predicted to result in protein truncation or nonsense mediated decay in a gene or region of a gene for which loss of function is not a well-established mechanism of disease; Has not been previously published as pathogenic or benign to our knowledge